The following is an entry in ClinVar:

ClinVar aggregate classification (germline): Uncertain significance. Review status: criteria provided, multiple submitters, no conflicts (2 of 4 stars). 2 submissions from 2 submitters: Uncertain significance (2). Last evaluated 2025-10-05.

Allele frequency attached by ClinVar (database versions not stated): TOPMed 0.00008; ExAC 0.00009; 1000 Genomes Project 30x 0.00016; 1000 Genomes Project 0.00020.
gnomAD v4.1: 76 of 1,613,944 alleles (0.0047%); highest among the groups gnomAD compares: Middle Eastern, 0.05%; no homozygotes.

Submissions (2):

Labcorp Genetics (formerly Invitae), Labcorp
Classification: Uncertain significance. Last evaluated: 2025-10-05. Review status: criteria provided, single submitter. Criteria: Invitae Variant Classification Sherloc (09022015). Collection method: clinical testing. Allele origin: germline.
Comment: This sequence change replaces isoleucine, which is neutral and non-polar, with valine, which is neutral and non-polar, at codon 258 of the CLCN6 protein (p.Ile258Val). This variant is present in population databases (rs201010581, gnomAD 0.02%). This variant has not been reported in the literature in individuals affected with CLCN6-related conditions. ClinVar contains an entry for this variant (Variation ID: 1374690). An algorithm developed to predict the effect of missense changes on protein structure and function (PolyPhen-2) suggests that this variant is likely to be disruptive. In summary, the available evidence is currently insufficient to determine the role of this variant in disease. Therefore, it has been classified as a Variant of Uncertain Significance.

Ambry Genetics
Classification: Uncertain significance. Last evaluated: 2023-11-22. Review status: criteria provided, single submitter. Criteria: Ambry Variant Classification Scheme 2023. Collection method: clinical testing. Allele origin: germline.

NM_001286.5(CLCN6):c.772A>G (p.Ile258Val)

Gene: CLCN6 (chloride voltage-gated channel 6; plus strand). Cytogenetic location: 1p36.22.
Variant type: single nucleotide variant.
Coding change: c.772A>G on transcript NM_001286.5 (MANE Select); coding-DNA position 772, A replaced by G.
Protein change: p.Ile258Val; replaces isoleucine 258 with valine.
Molecular consequence: missense variant. On other transcripts: non-coding transcript variant (1).
Genome position (GRCh38, 1-based): chr1:11,827,153, A>G. VCF-style: chr1-11827153-A-G. GRCh37 (hg19) VCF-style: chr1-11887210-A-G.
Other names: c.706A>G, p.Ile236Val (NM_001256959.2); c.772A>G (NM_001286.2); short protein forms I236V, I258V.
Identifiers: ClinVar variation 1374690 (VCV001374690.7), dbSNP rs201010581, ClinGen allele CA596236.
Genomic context (GRCh38, chr1:11,827,153, plus strand): 5'-AAGAGAGACTTTGTATCAGCAGGAGCGGCTGCTGGAGTTGCTGCAGCTTTCGGGGCGCCA[A>G]TCGGGGGTACCTTGTTCAGTCTAGAGGAGGGTTCGTCCTTCTGGAACCAAGGGCTCACGT-3'
Protein context (NP_001277.2, residues 248-268): AGVAAAFGAP[Ile258Val]GGTLFSLEEG